The following is an entry in ClinVar:

ClinVar aggregate classification (germline): Uncertain significance. Review status: criteria provided, multiple submitters, no conflicts (2 of 4 stars). 2 submissions from 2 submitters: Uncertain significance (2). Last evaluated 2023-09-12.

Conditions:
Ataxia-telangiectasia syndrome (AT). Also called: Ataxia telangiectasia (A-T); LOUIS-BAR SYNDROME; Cerebello-oculocutaneous telangiectasia; Immunodeficiency with ataxia telangiectasia; Ataxia-telangiectasia, complementation group D; AT, COMPLEMENTATION GROUP C. Identifiers: Orphanet 100, MedGen C0004135, MONDO:0008840, OMIM 208900.
Hereditary cancer-predisposing syndrome. Also called: Hereditary neoplastic syndrome; Neoplastic Syndromes, Hereditary; Tumor predisposition; Hereditary Cancer Syndrome. Identifiers: Orphanet 140162, MedGen C0027672, MeSH D009386, MONDO:0015356.

Submissions (2):

Labcorp Genetics (formerly Invitae), Labcorp
Classification: Uncertain significance for Ataxia-telangiectasia syndrome. Last evaluated: 2023-09-12. Review status: criteria provided, single submitter. Criteria: Invitae Variant Classification Sherloc (09022015). Collection method: clinical testing. Allele origin: germline.
Comment: Algorithms developed to predict the effect of sequence changes on RNA splicing suggest that this variant may disrupt the consensus splice site. An algorithm developed to predict the effect of missense changes on protein structure and function (PolyPhen-2) suggests that this variant is likely to be tolerated. ClinVar contains an entry for this variant (Variation ID: 407534). This variant has not been reported in the literature in individuals affected with ATM-related conditions. This variant is not present in population databases (gnomAD no frequency). This sequence change replaces valine, which is neutral and non-polar, with leucine, which is neutral and non-polar, at codon 1645 of the ATM protein (p.Val1645Leu). In summary, the available evidence is currently insufficient to determine the role of this variant in disease. Therefore, it has been classified as a Variant of Uncertain Significance.

Color Diagnostics, LLC DBA Color Health
Classification: Uncertain significance for Hereditary cancer-predisposing syndrome. Last evaluated: 2023-09-01. Review status: criteria provided, single submitter. Criteria: ACMG Guidelines, 2015. Collection method: clinical testing. Allele origin: germline.
Comment: This missense variant replaces valine with leucine at codon 1645 of the ATM protein. Computational prediction suggests that this variant may not impact protein structure and function (internally defined REVEL score threshold <= 0.5, PMID: 27666373). To our knowledge, functional studies have not been reported for this variant. This variant has not been reported in individuals affected with ATM-related disorders in the literature. This variant has not been identified in the general population by the Genome Aggregation Database (gnomAD). The available evidence is insufficient to determine the role of this variant in disease conclusively. Therefore, this variant is classified as a Variant of Uncertain Significance.

NM_000051.4(ATM):c.4933G>T (p.Val1645Leu)

Gene: ATM (ATM serine/threonine kinase; plus strand). Cytogenetic location: 11q22.3.
Variant type: single nucleotide variant.
Coding change: c.4933G>T on transcript NM_000051.4 (MANE Select); coding-DNA position 4933, G replaced by T.
Protein change: p.Val1645Leu; replaces valine 1645 with leucine.
Molecular consequence: missense variant.
Genome position (GRCh38, 1-based): chr11:108,297,310, G>T. VCF-style: chr11-108297310-G-T. GRCh37 (hg19) VCF-style: chr11-108168037-G-T.
Other names: c.4933G>T, p.Val1645Leu (NM_001351834.2); short protein forms V1645L.
Identifiers: ClinVar variation 407534 (VCV000407534.10), dbSNP rs757381170, ClinGen allele CA16613362.